The following is an entry in ClinVar:

ClinVar aggregate classification (germline): Conflicting classifications of pathogenicity. Review status: criteria provided, conflicting classifications (1 of 4 stars). 13 submissions from 9 submitters: Uncertain significance (3); Benign (1); Likely benign (6). 3 of the submissions do not count toward it. Last evaluated 2026-01-19.

Conditions:
TTN-related disorder. Also called: TTN-related condition; TTN-related disease; TTN-related disorders.
Dilated cardiomyopathy 1G (CMD1G). Identifiers: Orphanet 154, MedGen C1858763, MONDO:0011400, OMIM 604145.
Autosomal recessive limb-girdle muscular dystrophy type 2J (LGMDR10). Also called: Limb-girdle muscular dystrophy, type 2J; MUSCULAR DYSTROPHY, LIMB-GIRDLE, AUTOSOMAL RECESSIVE 10. Identifiers: Orphanet 140922, MedGen C1837342, MONDO:0012127, OMIM 608807.
Cardiovascular phenotype. Identifiers: MedGen CN230736.
Early-onset myopathy with fatal cardiomyopathy (CMYO5). Also called: Salih Myopathy; CONGENITAL MYOPATHY 5 WITH CARDIOMYOPATHY. Identifiers: Orphanet 289377, MedGen C2673677, MONDO:0012714, OMIM 611705. Disease mechanism: loss of function.
Myopathy, myofibrillar, 9, with early respiratory failure (MFM9). Also called: Hereditary myopathy with early respiratory failure; Myopathy, distal, with early respiratory failure, autosomal dominant; EDSTROM MYOPATHY; MYOPATHY, PROXIMAL, WITH EARLY RESPIRATORY MUSCLE INVOLVEMENT. Identifiers: Orphanet 178464, Orphanet 34521, MedGen C1863599, MONDO:0011362, OMIM 603689.
Tibial muscular dystrophy (TMD). Also called: Udd Distal Myopathy – Tibial Muscular Dystrophy; Tibial muscular dystrophy, tardive; UDD MYOPATHY. Identifiers: Orphanet 609, MedGen C1838244, MONDO:0010870, OMIM 600334.

Allele frequency attached by ClinVar (database versions not stated): ExAC 0.00003; gnomAD 0.00004; gnomAD exomes 0.00004 and 0.00007; TOPMed 0.00006; ESP Exome Variant Server 0.00025.
gnomAD v4.1: 109 of 1,612,226 alleles (0.0068%); highest among the groups gnomAD compares: Middle Eastern, 0.033%; no homozygotes.

Submissions (13):

Labcorp Genetics (formerly Invitae), Labcorp
Classification: Likely benign for Dilated cardiomyopathy 1G; Autosomal recessive limb-girdle muscular dystrophy type 2J. Last evaluated: 2026-01-19. Review status: criteria provided, single submitter. Criteria: Invitae Variant Classification Sherloc (09022015). Collection method: clinical testing. Allele origin: germline.

CeGaT Center for Human Genetics Tuebingen
Classification: Likely benign. Last evaluated: 2025-10-01. Review status: criteria provided, single submitter. Criteria: CeGaT Center For Human Genetics Tuebingen Variant Classification Criteria Version 2. Collection method: clinical testing. Allele origin: germline. Affected: yes. Observed: 3 variant alleles.
Comment: TTN: BP4, BP7

Ambry Genetics
Classification: Likely benign for Cardiovascular phenotype. Last evaluated: 2019-03-11. Review status: criteria provided, single submitter. Criteria: Ambry Variant Classification Scheme 2023. Collection method: clinical testing. Allele origin: germline.

GeneDx
Classification: Likely benign. Last evaluated: 2019-02-01. Review status: criteria provided, single submitter. Criteria: GeneDx Variant Classification Process June 2021. Collection method: clinical testing. Allele origin: germline. Affected: yes.

Illumina Laboratory Services, Illumina
Classification: Likely benign for Myopathy, myofibrillar, 9, with early respiratory failure. Last evaluated: 2018-01-12. Review status: criteria provided, single submitter. Criteria: ICSL Variant Classification Criteria 13 December 2019. Collection method: clinical testing. Allele origin: germline.
Comment: This variant was observed in the ICSL laboratory as part of a predisposition screen in an ostensibly healthy population. It had not been previously curated by ICSL or reported in the Human Gene Mutation Database (HGMD: prior to June 1st, 2018), and was therefore a candidate for classification through an automated scoring system. Utilizing variant allele frequency, disease prevalence and penetrance estimates, and inheritance mode, an automated score was calculated to assess if this variant is too frequent to cause the disease. Based on the score and internal cut-off values, a variant classified as likely benign is not then subjected to further curation. The score for this variant resulted in a classification of likely benign for this disease.

Illumina Laboratory Services, Illumina
Classification: Benign for Tibial muscular dystrophy. Last evaluated: 2018-01-12. Review status: criteria provided, single submitter. Criteria: ICSL Variant Classification Criteria 13 December 2019. Collection method: clinical testing. Allele origin: germline.
Comment: This variant was observed in the ICSL laboratory as part of a predisposition screen in an ostensibly healthy population. It had not been previously curated by ICSL or reported in the Human Gene Mutation Database (HGMD: prior to June 1st, 2018), and was therefore a candidate for classification through an automated scoring system. Utilizing variant allele frequency, disease prevalence and penetrance estimates, and inheritance mode, an automated score was calculated to assess if this variant is too frequent to cause the disease. Based on the score and internal cut-off values, a variant classified as benign is not then subjected to further curation. The score for this variant resulted in a classification of benign for this disease.

Illumina Laboratory Services, Illumina
Classification: Uncertain significance for Early-onset myopathy with fatal cardiomyopathy. Last evaluated: 2018-01-12. Review status: criteria provided, single submitter. Criteria: ICSL Variant Classification Criteria 13 December 2019. Collection method: clinical testing. Allele origin: germline.

Illumina Laboratory Services, Illumina
Classification: Uncertain significance for Dilated cardiomyopathy 1G. Last evaluated: 2018-01-12. Review status: criteria provided, single submitter. Criteria: ICSL Variant Classification Criteria 13 December 2019. Collection method: clinical testing. Allele origin: germline.

Illumina Laboratory Services, Illumina
Classification: Uncertain significance for Autosomal recessive limb-girdle muscular dystrophy type 2J. Last evaluated: 2018-01-12. Review status: criteria provided, single submitter. Criteria: ICSL Variant Classification Criteria 13 December 2019. Collection method: clinical testing. Allele origin: germline.

Laboratory for Molecular Medicine, Mass General Brigham Personalized Medicine
Classification: Likely benign. Last evaluated: 2015-04-07. Review status: criteria provided, single submitter. Criteria: LMM Criteria. Collection method: clinical testing. Allele origin: germline. Observed: 2 variant alleles.
Comment: p.Asn27144Asn in exon 282 of TTN: This variant is not expected to have clinical significance because it does not alter an amino acid residue and is not located within the splice consensus sequence. It has been identified in 3/66366 European chromosomes and 1/9792 African chromosomes by the Exome Aggregation Consortium (ExAC; dbSNP rs376289479).

PreventionGenetics, part of Exact Sciences
Classification: Likely benign for TTN-related condition. Last evaluated: 2019-02-20. Review status: no assertion criteria provided. Collection method: clinical testing. Allele origin: germline. Not counted in ClinVar's aggregate classification.
Comment: This variant is classified as likely benign based on ACMG/AMP sequence variant interpretation guidelines (Richards et al. 2015 PMID: 25741868, with internal and published modifications).

Clinical Genetics DNA and cytogenetics Diagnostics Lab, Erasmus MC, Erasmus Medical Center
Classification: Likely benign. Review status: no assertion criteria provided. Collection method: clinical testing. Allele origin: germline. Affected: yes. Study: VKGL Data-share Consensus. Not counted in ClinVar's aggregate classification.

Clinical Genetics, Academic Medical Center
Classification: Benign. Review status: no assertion criteria provided. Collection method: clinical testing. Allele origin: germline. Affected: yes. Study: VKGL Data-share Consensus. Not counted in ClinVar's aggregate classification.

NM_001267550.2(TTN):c.89136C>T (p.Asn29712=)

Genes: TTN (titin; minus strand), TTN-AS1 (TTN antisense RNA 1; plus strand). Cytogenetic location: 2q31.2.
Variant type: single nucleotide variant.
Coding change: c.89136C>T on transcript NM_001267550.2 (MANE Select); coding-DNA position 89136, C replaced by T.
Protein change: p.Asn29712=; no amino-acid change (asparagine 29712 retained).
Molecular consequence: synonymous variant.
Genome position (GRCh38, 1-based): chr2:178,553,975, G>A on the plus strand (C>T on the coding strand, the complement: TTN is on the minus strand). VCF-style: chr2-178553975-G-A. GRCh37 (hg19) VCF-style: chr2-179418702-G-A.
Other names: c.84213C>T, p.Asn28071= (NM_001256850.1); c.81432C>T, p.Asn27144= (NM_133378.4); c.61941C>T, p.Asn20647= (NM_003319.4); c.62316C>T, p.Asn20772= (NM_133432.3); c.62517C>T, p.Asn20839= (NM_133437.4).
Identifiers: ClinVar variation 47485 (VCV000047485.53), dbSNP rs376289479, ClinGen allele CA141155.